The following is an entry in ClinVar:

NM_017780.4(CHD7):c.5932G>A (p.Val1978Ile)

Gene: CHD7 (chromodomain helicase DNA binding protein 7; plus strand). Cytogenetic location: 8q12.2.
Variant type: single nucleotide variant.
Coding change: c.5932G>A on transcript NM_017780.4 (MANE Select); coding-DNA position 5932, G replaced by A.
Protein change: p.Val1978Ile; replaces valine 1978 with isoleucine.
Molecular consequence: missense variant. On other transcripts: intron variant (1).
Genome position (GRCh38, 1-based): chr8:60,852,535, G>A. VCF-style: chr8-60852535-G-A. GRCh37 (hg19) VCF-style: chr8-61765094-G-A.
Other names: c.1717-9694G>A (NM_001316690.1); short protein forms V1978I.
Identifiers: ClinVar variation 3665259 (VCV003665259.2).

ClinVar aggregate classification (germline): Uncertain significance (1 of 4 stars; one submission).

Conditions:
CHARGE syndrome (CHARGE). Also called: Hittner Hirsch Kreh syndrome; CHARGE ASSOCIATION--COLOBOMA, HEART ANOMALY, CHOANAL ATRESIA, RETARDATION, GENITAL AND EAR ANOMALIES; Coloboma, heart anomaly, choanal atresia, retardation, genital and ear anomalies; CHARGE association; Hall-Hittner syndrome. Identifiers: Orphanet 138, MedGen C0265354, MONDO:0008965.

gnomAD v4.1: 2 of 1,613,712 alleles (0.00012%); highest among the groups gnomAD compares: Non-Finnish European, 0.00017%; no homozygotes.

Submission:

Labcorp Genetics (formerly Invitae), Labcorp
Classification: Uncertain significance for CHARGE syndrome. Last evaluated: 2025-09-25. Review status: criteria provided, single submitter. Criteria: Invitae Variant Classification Sherloc (09022015). Collection method: clinical testing. Allele origin: germline.
Comment: This sequence change replaces valine, which is neutral and non-polar, with isoleucine, which is neutral and non-polar, at codon 1978 of the CHD7 protein (p.Val1978Ile). This variant is not present in population databases (gnomAD no frequency). This missense change has been observed in individual(s) with normosmic congenital hypogonadotropic hypogonadism (PMID: 36531499). ClinVar contains an entry for this variant (Variation ID: 3665259). Invitae Evidence Modeling of protein sequence and biophysical properties (such as structural, functional, and spatial information, amino acid conservation, physicochemical variation, residue mobility, and thermodynamic stability) has been performed for this missense variant. However, the output from this modeling did not meet the statistical confidence thresholds required to predict the impact of this variant on CHD7 protein function. In summary, the available evidence is currently insufficient to determine the role of this variant in disease. Therefore, it has been classified as a Variant of Uncertain Significance.

Literature cited by the submitters: PubMed 36531499.